The following is an entry in ClinVar:

NM_004070.4(CLCNKA):c.121C>A (p.Gln41Lys)

Gene: CLCNKA (chloride voltage-gated channel Ka; plus strand). Cytogenetic location: 1p36.13.
Variant type: single nucleotide variant.
Coding change: c.121C>A on transcript NM_004070.4 (MANE Select); coding-DNA position 121, C replaced by A.
Protein change: p.Gln41Lys; replaces glutamine 41 with lysine.
Molecular consequence: missense variant.
Genome position (GRCh38, 1-based): chr1:16,023,820, C>A. VCF-style: chr1-16023820-C-A. GRCh37 (hg19) VCF-style: chr1-16350315-C-A.
Other names: c.121C>A, p.Gln41Lys (NM_001042704.2, NM_001257139.2); short protein forms Q41K.
Identifiers: ClinVar variation 4872072 (VCV004872072.2).

ClinVar aggregate classification (germline): Likely benign (1 of 4 stars; one submission).

gnomAD v4.1: 600 of 1,614,042 alleles (0.037%); highest among the groups gnomAD compares: Admixed American, 0.08%; 4 homozygotes.

Submission:

CeGaT Center for Human Genetics Tuebingen
Classification: Likely benign. Last evaluated: 2026-06-01. Review status: criteria provided, single submitter. Criteria: CeGaT Center For Human Genetics Tuebingen Variant Classification Criteria Version 2. Collection method: clinical testing. Allele origin: germline. Affected: yes. Observed: 1 variant allele.
Comment: CLCNKA: BP4, BS2